The following is an entry in ClinVar:

NM_175914.5(HNF4A):c.255C>A (p.Asp85Glu)

Gene: HNF4A (hepatocyte nuclear factor 4 alpha; plus strand). Cytogenetic location: 20q13.12.
Variant type: single nucleotide variant.
Coding change: c.255C>A on transcript NM_175914.5 (MANE Select); coding-DNA position 255, C replaced by A.
Protein change: p.Asp85Glu; replaces aspartic acid 85 with glutamic acid.
Molecular consequence: missense variant.
Genome position (GRCh38, 1-based): chr20:44,407,411, C>A. VCF-style: chr20-44407411-C-A. GRCh37 (hg19) VCF-style: chr20-43036051-C-A.
Other names: c.321C>A, p.Asp107Glu (NM_178850.3, NM_000457.6, NM_178849.3); c.255C>A, p.Asp85Glu (NM_001030003.3, NM_001030004.3); c.300C>A, p.Asp100Glu (NM_001258355.2); c.246C>A, p.Asp82Glu (NM_001287182.2, NM_001287183.2, NM_001287184.2); short protein forms D100E, D107E, D82E, D85E.
Identifiers: ClinVar variation 4526861 (VCV004526861.1).
Genomic context (GRCh38, chr20:44,407,411, plus strand): 5'-CTCCATCCAACCATCCAAAGCCCTCCCCAGATTTAGCCGGCAGTGCGTGGTGGACAAAGA[C>A]AAGAGGAACCAGTGCCGCTACTGCAGGCTCAAGAAATGCTTCCGGGCTGGCATGAAGAAG-3'
Protein context (NP_787110.2, residues 75-95): RFSRQCVVDK[Asp85Glu]KRNQCRYCRL

ClinVar aggregate classification (germline): Likely pathogenic (1 of 4 stars; one submission).

Conditions:
Type 2 diabetes mellitus. Also called: Type II diabetes mellitus. Identifiers: MedGen C0011860, MeSH D003924, MONDO:0005148, OMIM 125853, HP:0005978.
Maturity-onset diabetes of the young type 1. Also called: MILD JUVENILE DIABETES MELLITUS; MODY type 1; Diabetes mellitus MODY type 1; MODY HNF4A related; HNF4A-Related Maturity-Onset Diabetes of the Young Type 1; MODY, type I. Identifiers: Orphanet 552, MedGen C1852093, MONDO:0007452, OMIM 125850. Disease mechanism: loss of function.
Fanconi renotubular syndrome 4 with maturity-onset diabetes of the young (FRTS4). Also called: FRTS4 WITH MODY. Identifiers: Orphanet 93111, MedGen C4014962, MONDO:0014458, OMIM 616026.

Submission:

Rare Kidney Stone Consortium and the Mayo Clinic Hyperoxaluria Center, Mayo Clinic
Classification: Likely pathogenic for Type 2 diabetes mellitus; Fanconi renotubular syndrome 4 with maturity-onset diabetes of the young; Maturity-onset diabetes of the young type 1. Last evaluated: 2025-10-03. Review status: criteria provided, single submitter. Criteria: ACMG Guidelines, 2015. Collection method: research. Allele origin: germline. Affected: yes. Observed: 1 variant allele.
Comment: ACMG:PM1, PM2, PM6, PP2, PP3, PP4

Literature cited by the submitters: PubMed 40794449.